The following is an entry in ClinVar:

NM_002582.4(PARN):c.962+2T>C

Gene: PARN (poly(A)-specific ribonuclease; minus strand). Cytogenetic location: 16p13.12.
Variant type: single nucleotide variant.
Coding change: c.962+2T>C on transcript NM_002582.4 (MANE Select); the canonical splice donor site of the intron after coding-DNA position 962, T replaced by C.
Molecular consequence: splice donor variant.
Genome position (GRCh38, 1-based): chr16:14,586,316, A>G on the plus strand (T>C on the coding strand, the complement: PARN is on the minus strand). VCF-style: chr16-14586316-A-G. GRCh37 (hg19) VCF-style: chr16-14680173-A-G.
Other names: c.779+2T>C (NM_001134477.3); c.824+2T>C (NM_001242992.2).
Identifiers: ClinVar variation 3897473 (VCV003897473.3).

ClinVar aggregate classification (germline): Pathogenic/Likely pathogenic. Review status: criteria provided, multiple submitters, no conflicts (2 of 4 stars). 2 submissions from 2 submitters: Pathogenic (1); Likely pathogenic (1). Last evaluated 2025-09-10.

Conditions:
Dyskeratosis congenita, autosomal recessive 6 (DKCB6). Identifiers: MedGen C4225356, MONDO:0014600, OMIM 616353.
Pulmonary fibrosis and/or bone marrow failure, Telomere-related, 4. Also called: PULMONARY FIBROSIS AND/OR BONE MARROW FAILURE SYNDROME, TELOMERE-RELATED, 4. Identifiers: Orphanet 2032, MedGen C4225347, MONDO:0014612, OMIM 616371.

Submissions (2):

Labcorp Genetics (formerly Invitae), Labcorp
Classification: Likely pathogenic for Dyskeratosis congenita, autosomal recessive 6; Pulmonary fibrosis and/or bone marrow failure, Telomere-related, 4. Last evaluated: 2025-09-10. Review status: criteria provided, single submitter. Criteria: Invitae Variant Classification Sherloc (09022015). Collection method: clinical testing. Allele origin: germline.
Comment: This sequence change affects a donor splice site in intron 14 of the PARN gene. It is expected to disrupt RNA splicing. Variants that disrupt the donor or acceptor splice site typically lead to a loss of protein function (PMID: 16199547), and loss-of-function variants in PARN are known to be pathogenic (PMID: 9736620, 25848748, 26810774). This variant is not present in population databases (gnomAD no frequency). This variant has not been reported in the literature in individuals affected with PARN-related conditions. ClinVar contains an entry for this variant (Variation ID: 3897473). Algorithms developed to predict the effect of sequence changes on RNA splicing suggest that this variant may disrupt the consensus splice site. In summary, the currently available evidence indicates that the variant is pathogenic, but additional data are needed to prove that conclusively. Therefore, this variant has been classified as Likely Pathogenic.

GeneDx
Classification: Pathogenic. Last evaluated: 2025-07-08. Review status: criteria provided, single submitter. Criteria: GeneDx Variant Classification Process June 2021. Collection method: clinical testing. Allele origin: germline.
Comment: Canonical splice site variant predicted to result in a null allele in a gene for which loss of function is a known mechanism of disease; Not observed at significant frequency in large population cohorts (gnomAD); Has not been previously published as pathogenic or benign to our knowledge

Literature cited by the submitters: PubMed 16199547 (cited by Labcorp Genetics (formerly Invitae), Labcorp); PubMed 9736620 (cited by Labcorp Genetics (formerly Invitae), Labcorp); PubMed 25848748 (cited by Labcorp Genetics (formerly Invitae), Labcorp); PubMed 26810774 (cited by Labcorp Genetics (formerly Invitae), Labcorp).